The following is an entry in ClinVar:

ClinVar aggregate classification (germline): Uncertain significance (1 of 4 stars; one submission).

Submission:

Women's Health and Genetics/Laboratory Corporation of America, LabCorp
Classification: Uncertain significance. Last evaluated: 2024-07-30. Review status: criteria provided, single submitter. Criteria: LabCorp Variant Classification Summary - May 2015. Collection method: clinical testing. Allele origin: germline.
Comment: Variant summary: CTSC c.117G>T (p.Trp39Cys) results in a non-conservative amino acid change located in the Cathepsin C exclusion domain (IPR014882) of the encoded protein sequence. Five of five in-silico tools predict a damaging effect of the variant on protein function. The variant was absent in 187450 control chromosomes. c.117G>T has been reported in the literature inat least one homozygous individual affected with Papillon-Lefevre syndrome (e.g., Tekin_2016). These data indicate that the variant may be associated with disease. To our knowledge, no experimental evidence demonstrating an impact on protein function has been reported. The following publication has been ascertained in the context of this evaluation (PMID: 27062382). No submitters have cited clinical-significance assessments for this variant to ClinVar. Based on the evidence outlined above, the variant was classified as VUS-possibly pathogenic.

Literature cited by the submitters: PubMed 27062382.

NM_001814.6(CTSC):c.117G>T (p.Trp39Cys)

Genes: CTSC (cathepsin C; minus strand), LOC130006572 (ATAC-STARR-seq lymphoblastoid active region 5382; plus strand). Cytogenetic location: 11q14.2.
Variant type: single nucleotide variant.
Coding change: c.117G>T on transcript NM_001814.6 (MANE Select); coding-DNA position 117, G replaced by T.
Protein change: p.Trp39Cys; replaces tryptophan 39 with cysteine.
Molecular consequence: missense variant.
Genome position (GRCh38, 1-based): chr11:88,337,556, C>A on the plus strand (G>T on the coding strand, the complement: CTSC is on the minus strand). VCF-style: chr11-88337556-C-A. GRCh37 (hg19) VCF-style: chr11-88070724-C-A.
Other names: c.117G>T, p.Trp39Cys (NM_001114173.3, NM_148170.5); short protein forms W39C.
Identifiers: ClinVar variation 3339183 (VCV003339183.1).
Genomic context (GRCh38, chr11:88,337,556, plus strand): 5'-CTTACCCATAACCGAGCAGTTGACATCGCGCTGGGAACCGCTGGAGCCCACCTGGAAGAC[C>A]CAGGTGCCCAGCAGGTCAAGATAGGTGCAGTTGGCAGGTGTGTCGCAGCGCACGGCGCCG-3'
Protein context (NP_001805.4, residues 29-49): NCTYLDLLGT[Trp39Cys]VFQVGSSGSQ